The following is an entry in ClinVar:

ClinVar aggregate classification (germline): Uncertain significance (1 of 4 stars; one submission).

Submission:

GeneDx
Classification: Uncertain significance. Last evaluated: 2025-05-30. Review status: criteria provided, single submitter. Criteria: GeneDx Variant Classification Process June 2021. Collection method: clinical testing. Allele origin: germline. Affected: yes.
Comment: Not observed at significant frequency in large population cohorts (gnomAD); In silico analysis supports that this missense variant has a deleterious effect on protein structure/function; Has not been previously published as pathogenic or benign to our knowledge

NM_016343.4(CENPF):c.5380G>T (p.Asp1794Tyr)

Gene: CENPF (centromere protein F; plus strand). Cytogenetic location: 1q41.
Variant type: single nucleotide variant.
Coding change: c.5380G>T on transcript NM_016343.4 (MANE Select); coding-DNA position 5380, G replaced by T.
Protein change: p.Asp1794Tyr; replaces aspartic acid 1794 with tyrosine.
Molecular consequence: missense variant.
Genome position (GRCh38, 1-based): chr1:214,644,950, G>T. VCF-style: chr1-214644950-G-T. GRCh37 (hg19) VCF-style: chr1-214818293-G-T.
Other names: short protein forms D1794Y.
Identifiers: ClinVar variation 4532742 (VCV004532742.1).